The following is an entry in ClinVar:

ClinVar aggregate classification (germline): Uncertain significance (1 of 4 stars; one submission).

gnomAD v4.1: 2 of 1,613,976 alleles (0.00012%); no homozygotes.

Submission:

Labcorp Genetics (formerly Invitae), Labcorp
Classification: Uncertain significance. Last evaluated: 2024-05-24. Review status: criteria provided, single submitter. Criteria: Invitae Variant Classification Sherloc (09022015). Collection method: clinical testing. Allele origin: germline.
Comment: This sequence change replaces threonine, which is neutral and polar, with asparagine, which is neutral and polar, at codon 24 of the SLC7A9 protein (p.Thr24Asn). This variant is not present in population databases (gnomAD no frequency). This variant has not been reported in the literature in individuals affected with SLC7A9-related conditions. Advanced modeling of protein sequence and biophysical properties (such as structural, functional, and spatial information, amino acid conservation, physicochemical variation, residue mobility, and thermodynamic stability) performed at Invitae indicates that this missense variant is not expected to disrupt SLC7A9 protein function with a negative predictive value of 80%. In summary, the available evidence is currently insufficient to determine the role of this variant in disease. Therefore, it has been classified as a Variant of Uncertain Significance.

NM_014270.5(SLC7A9):c.71C>A (p.Thr24Asn)

Gene: SLC7A9 (solute carrier family 7 member 9; minus strand). Cytogenetic location: 19q13.11.
Variant type: single nucleotide variant.
Coding change: c.71C>A on transcript NM_014270.5 (MANE Select); coding-DNA position 71, C replaced by A.
Protein change: p.Thr24Asn; replaces threonine 24 with asparagine.
Molecular consequence: missense variant.
Genome position (GRCh38, 1-based): chr19:32,868,464, G>T on the plus strand (C>A on the coding strand, the complement: SLC7A9 is on the minus strand). VCF-style: chr19-32868464-G-T. GRCh37 (hg19) VCF-style: chr19-33359370-G-T.
Other names: c.71C>A, p.Thr24Asn (NM_001126335.2, NM_001243036.2); short protein forms T24N.
Identifiers: ClinVar variation 3645016 (VCV003645016.2).